The following is an entry in ClinVar:

ClinVar aggregate classification (germline): Likely pathogenic (1 of 4 stars; one submission).

Conditions:
Farber lipogranulomatosis (FRBRL). Also called: AC DEFICIENCY; ACID CERAMIDASE DEFICIENCY; CERAMIDASE DEFICIENCY; N-LAURYLSPHINGOSINE DEACYLASE DEFICIENCY; Farber's lipogranulomatosis; Farber's disease. Identifiers: Orphanet 333, MedGen C0268255, MONDO:0009218, OMIM 228000.

Allele frequency attached by ClinVar (database versions not stated): TOPMed 0.00001; gnomAD 0.00003.
gnomAD v4.1: 5 of 1,584,222 alleles (0.00032%); highest among the groups gnomAD compares: East Asian, 0.0046%; no homozygotes.

Submission:

Medical Affairs, Dicerna Pharmaceuticals
Classification: Likely pathogenic for Farber lipogranulomatosis. Last evaluated: 2019-06-19. Review status: criteria provided, single submitter. Criteria: ACMG Guidelines, 2015. Collection method: literature only. Allele origin: maternal. Inheritance: Autosomal recessive inheritance. Affected: yes. Observed: 2 variant alleles.
Comment: Variant c.677G>C has been classified as likely pathogenic using the following rationale. Two siblings described in Bashyam et al., 2014, doi: 10.1111/cge.12316 were diagnosed with Farber disease characteristic of Type 1 Farber disease discussed in Gene Reviews. Compound heterozygous variants in the ASAH1 gene, c.677G>C and c.1084C>A, were identified and biparental segregation was noted. Structural analysis using HANSA software predicted variant pathogenicity due to loss of an H-bond resulting in destabilization of catalytic triad structure.

After sequencing the ASAH1 gene, compound heterozygous variants were identified including (c.677G>C) and (c.1084C>A).

Literature cited by the submitters: DOI 10.1111/cge.12316.

NM_177924.5(ASAH1):c.677G>C (p.Arg226Pro)

Gene: ASAH1 (N-acylsphingosine amidohydrolase 1; minus strand). Cytogenetic location: 8p22.
Variant type: single nucleotide variant.
Coding change: c.677G>C on transcript NM_177924.5 (MANE Select); coding-DNA position 677, G replaced by C.
Protein change: p.Arg226Pro; replaces arginine 226 with proline.
Molecular consequence: missense variant.
Genome position (GRCh38, 1-based): chr8:18,061,712, C>G on the plus strand (G>C on the coding strand, the complement: ASAH1 is on the minus strand). VCF-style: chr8-18061712-C-G. GRCh37 (hg19) VCF-style: chr8-17919221-C-G.
Other names: c.659G>C, p.Arg220Pro (NM_001127505.3); c.482G>C, p.Arg161Pro (NM_001363743.2); c.725G>C, p.Arg242Pro (NM_004315.6); short protein forms R220P, R161P, R226P, R242P.
Identifiers: ClinVar variation 812487 (VCV000812487.1), dbSNP rs377749094, ClinGen allele CA370429643.